The following is an entry in ClinVar:

NM_004055.5(CAPN5):c.43G>A (p.Ala15Thr)

Gene: CAPN5 (calpain 5; plus strand). Cytogenetic location: 11q13.5.
Variant type: single nucleotide variant.
Coding change: c.43G>A on transcript NM_004055.5 (MANE Select); coding-DNA position 43, G replaced by A.
Protein change: p.Ala15Thr; replaces alanine 15 with threonine.
Molecular consequence: missense variant. On other transcripts: non-coding transcript variant (1).
Genome position (GRCh38, 1-based): chr11:77,084,929, G>A. VCF-style: chr11-77084929-G-A. GRCh37 (hg19) VCF-style: chr11-76795975-G-A.
Other names: c.43G>A, p.Ala15Thr (NM_001425321.1, NM_001425322.1, NM_001425323.1); short protein forms A15T.
Identifiers: ClinVar variation 4692472 (VCV004692472.1).
Genomic context (GRCh38, chr11:77,084,929, plus strand): 5'-CCTGGGGCAGCAGCCACCATGTTCTCGTGTGTGAAGCCCTATGAGGACCAGAACTACTCA[G>A]CCCTGAGGCGGGACTGCCGGCGCAGGAAGGTGCTCTTCGAGGACCCCCTCTTCCCCGCCA-3'
Protein context (NP_004046.2, residues 5-25): VKPYEDQNYS[Ala15Thr]LRRDCRRRKV

ClinVar aggregate classification (germline): Uncertain significance (1 of 4 stars; one submission).

gnomAD v4.1: 8 of 1,614,064 alleles (0.0005%); highest among the groups gnomAD compares: Admixed American, 0.0067%; no homozygotes.

Submission:

Labcorp Genetics (formerly Invitae), Labcorp
Classification: Uncertain significance. Last evaluated: 2025-12-09. Review status: criteria provided, single submitter. Criteria: Invitae Variant Classification Sherloc (09022015). Collection method: clinical testing. Allele origin: germline.
Comment: This sequence change replaces alanine, which is neutral and non-polar, with threonine, which is neutral and polar, at codon 15 of the CAPN5 protein (p.Ala15Thr). This variant is present in population databases (rs782411983, gnomAD 0.009%). This variant has not been reported in the literature in individuals affected with CAPN5-related conditions. Invitae Evidence Modeling of protein sequence and biophysical properties (such as structural, functional, and spatial information, amino acid conservation, physicochemical variation, residue mobility, and thermodynamic stability) indicates that this missense variant is not expected to disrupt CAPN5 protein function with a negative predictive value of 80%. In summary, the available evidence is currently insufficient to determine the role of this variant in disease. Therefore, it has been classified as a Variant of Uncertain Significance.